The following is an entry in ClinVar:

ClinVar aggregate classification (germline): Conflicting classifications of pathogenicity. Review status: criteria provided, conflicting classifications (1 of 4 stars). 7 submissions from 7 submitters: Uncertain significance (1); Benign (2); Likely benign (4). Last evaluated 2026-01-19.

Conditions:
Autoinflammatory syndrome. Identifiers: Orphanet 93665, MedGen C3890737, MONDO:0019751.
Inborn genetic diseases. Identifiers: MedGen C0950123, MeSH D030342.
Familial Mediterranean fever (FMF). Also called: Periodic peritonitis; Benign paroxysmal peritonitis; POLYSEROSITIS, FAMILIAL PAROXYSMAL; POLYSEROSITIS, RECURRENT. Identifiers: Orphanet 342, MedGen C0031069, MONDO:0018088, OMIM 249100. Disease mechanism: gain of function.

Allele frequency attached by ClinVar (database versions not stated): 1000 Genomes Project 30x 0.00031; 1000 Genomes Project 0.00040; TOPMed 0.00136; ESP Exome Variant Server 0.00146.
gnomAD v4.1: 346 of 1,614,132 alleles (0.021%); highest among the groups gnomAD compares: African/African-American, 0.41%; 1 homozygote.

Submissions (7):

Labcorp Genetics (formerly Invitae), Labcorp
Classification: Benign for Familial Mediterranean fever. Last evaluated: 2026-01-19. Review status: criteria provided, single submitter. Criteria: Invitae Variant Classification Sherloc (09022015). Collection method: clinical testing. Allele origin: germline.

Women's Health and Genetics/Laboratory Corporation of America, LabCorp
Classification: Likely benign. Last evaluated: 2025-07-29. Review status: criteria provided, single submitter. Criteria: LabCorp Variant Classification Summary - May 2015. Collection method: clinical testing. Allele origin: germline.

ARUP Laboratories, Molecular Genetics and Genomics, ARUP Laboratories
Classification: Likely benign. Last evaluated: 2023-03-06. Review status: criteria provided, single submitter. Criteria: ARUP Molecular Germline Variant Investigation Process 2024. Collection method: clinical testing. Allele origin: germline.

CeGaT Center for Human Genetics Tuebingen
Classification: Likely benign. Last evaluated: 2022-05-01. Review status: criteria provided, single submitter. Criteria: CeGaT Center For Human Genetics Tuebingen Variant Classification Criteria Version 2. Collection method: clinical testing. Allele origin: germline. Affected: yes. Observed: 1 variant allele.
Comment: MEFV: BP4, BP7

Ambry Genetics
Classification: Likely benign for Inborn genetic diseases. Last evaluated: 2022-03-07. Review status: criteria provided, single submitter. Criteria: Ambry Variant Classification Scheme 2023. Collection method: clinical testing. Allele origin: germline.

Genome Diagnostics Laboratory, The Hospital for Sick Children
Classification: Uncertain significance for Autoinflammatory syndrome. Last evaluated: 2020-05-01. Review status: criteria provided, single submitter. Criteria: ACMG Guidelines, 2015. Collection method: clinical testing. Allele origin: germline. Affected: yes.

GeneDx
Classification: Benign. Last evaluated: 2015-03-03. Review status: criteria provided, single submitter. Criteria: GeneDx Variant Classification Process June 2021. Collection method: clinical testing. Allele origin: germline. Affected: yes.

NM_000243.3(MEFV):c.1092G>T (p.Pro364=)

Gene: MEFV (MEFV innate immunity regulator, pyrin; minus strand). Cytogenetic location: 16p13.3.
Variant type: single nucleotide variant.
Coding change: c.1092G>T on transcript NM_000243.3 (MANE Select); coding-DNA position 1092, G replaced by T.
Protein change: p.Pro364=; no amino-acid change (proline 364 retained).
Molecular consequence: synonymous variant.
Genome position (GRCh38, 1-based): chr16:3,249,599, C>A on the plus strand (G>T on the coding strand, the complement: MEFV is on the minus strand). VCF-style: chr16-3249599-C-A. GRCh37 (hg19) VCF-style: chr16-3299599-C-A.
Other names: c.459G>T, p.Pro153= (NM_001198536.2).
Identifiers: ClinVar variation 527808 (VCV000527808.52), dbSNP rs11466022, ClinGen allele CA7860234.
Genomic context (GRCh38, chr16:3,249,599, plus strand): 5'-CAGCTGGACCTGCTTCAGGTGGCGCTTACACTGTGGCAGGGGCTGGGGGCTTAGGCTTCC[C>A]GGGCTCTTCCTTTCATGGGAGTCCTGGCACCGGGGGCAGCCAGGTGAGCGGCTGCCTGAG-3'
Protein context (NP_000234.1, residues 354-374): RCQDSHERKS[Pro364=]GSLSPQPLPQ